The following is an entry in ClinVar:

ClinVar aggregate classification (germline): Uncertain significance (1 of 4 stars; one submission).

Submission:

Labcorp Genetics (formerly Invitae), Labcorp
Classification: Uncertain significance. Last evaluated: 2025-03-27. Review status: criteria provided, single submitter. Criteria: Invitae Variant Classification Sherloc (09022015). Collection method: clinical testing. Allele origin: germline.
Comment: This sequence change results in a frameshift in the RFX6 gene (p.Gln884Asnfs*57). While this is not anticipated to result in nonsense mediated decay, it is expected to disrupt the last 45 amino acid(s) of the RFX6 protein and extend the protein by 11 additional amino acid residues. This variant is not present in population databases (gnomAD no frequency). This frameshift has been observed in individual(s) with diabetes (PMID: 34387403). Experimental studies and prediction algorithms are not available or were not evaluated, and the functional significance of this variant is currently unknown. In summary, the available evidence is currently insufficient to determine the role of this variant in disease. Therefore, it has been classified as a Variant of Uncertain Significance.

Literature cited by the submitters: PubMed 34387403.

NM_173560.4(RFX6):c.2650del (p.Gln884fs)

Gene: RFX6 (regulatory factor X6; plus strand). Cytogenetic location: 6q22.1.
Variant type: Deletion.
Coding change: c.2650del on transcript NM_173560.4 (MANE Select); coding-DNA position 2650, one base deleted (C; older notation c.2650delC).
Protein change: p.Gln884fs; shifts the reading frame from glutamine 884.
Molecular consequence: frameshift variant.
Genome position (GRCh38, 1-based): chr6:116,931,369, C deleted; the last of 3 consecutive C bases (chr6:116,931,367-116,931,369); deleting any one gives the same sequence. VCF-style (leftmost placement, unchanged base first): chr6-116931366-TC-T. GRCh37 (hg19) VCF-style: chr6-117252529-TC-T.
Other names: short protein forms Q884fs.
Identifiers: ClinVar variation 4781449 (VCV004781449.1).
Genomic context (GRCh38, chr6:116,931,366, plus strand): 5'-TTGCTGATTATATTTTCCCTTACAGCTTCCAGTTTGCAAACCCCAATTCCTTCTTCCTCA[TC>T]CCAATGTATGTATGGAACTTCCAACCAGTATCCAGCTCAAGAAACCCTGGACTCCCATGG-3'